The following is an entry in ClinVar:

ClinVar aggregate classification (germline): Uncertain significance. Review status: criteria provided, multiple submitters, no conflicts (2 of 4 stars). 2 submissions from 2 submitters: Uncertain significance (2). Last evaluated 2025-02-20.

Allele frequency attached by ClinVar (database versions not stated): TOPMed below 0.00001; ExAC 0.00001; gnomAD exomes 0.00001.
gnomAD v4.1: 7 of 1,614,042 alleles (0.00043%); highest among the groups gnomAD compares: Non-Finnish European, 0.00042%; no homozygotes.

Submissions (2):

Labcorp Genetics (formerly Invitae), Labcorp
Classification: Uncertain significance. Last evaluated: 2025-02-20. Review status: criteria provided, single submitter. Criteria: Invitae Variant Classification Sherloc (09022015). Collection method: clinical testing. Allele origin: germline.
Comment: This sequence change replaces threonine, which is neutral and polar, with proline, which is neutral and non-polar, at codon 21 of the UQCC2 protein (p.Thr21Pro). This variant is present in population databases (rs774071001, gnomAD 0.0009%). This variant has not been reported in the literature in individuals affected with UQCC2-related conditions. ClinVar contains an entry for this variant (Variation ID: 2579899). An algorithm developed to predict the effect of missense changes on protein structure and function (PolyPhen-2) suggests that this variant is likely to be disruptive. In summary, the available evidence is currently insufficient to determine the role of this variant in disease. Therefore, it has been classified as a Variant of Uncertain Significance.

GeneDx
Classification: Uncertain significance. Last evaluated: 2023-03-17. Review status: criteria provided, single submitter. Criteria: GeneDx Variant Classification Process June 2021. Collection method: clinical testing. Allele origin: germline. Affected: yes.
Comment: Not observed at significant frequency in large population cohorts (gnomAD); In silico analysis supports that this missense variant does not alter protein structure/function; Has not been previously published as pathogenic or benign to our knowledge

NM_032340.4(UQCC2):c.61A>C (p.Thr21Pro)

Gene: UQCC2 (ubiquinol-cytochrome c reductase complex assembly factor 2; minus strand). Cytogenetic location: 6p21.31.
Variant type: single nucleotide variant.
Coding change: c.61A>C on transcript NM_032340.4 (MANE Select); coding-DNA position 61, A replaced by C.
Protein change: p.Thr21Pro; replaces threonine 21 with proline.
Molecular consequence: missense variant.
Genome position (GRCh38, 1-based): chr6:33,711,626, T>G on the plus strand (A>C on the coding strand, the complement: UQCC2 is on the minus strand). VCF-style: chr6-33711626-T-G. GRCh37 (hg19) VCF-style: chr6-33679403-T-G.
Other names: short protein forms T21P.
Identifiers: ClinVar variation 2579899 (VCV002579899.2), dbSNP rs774071001, ClinGen allele CA3762552.